The following is an entry in ClinVar:

ClinVar aggregate classification (germline): Uncertain significance. Review status: criteria provided, multiple submitters, no conflicts (2 of 4 stars). 3 submissions from 3 submitters: Uncertain significance (3). Last evaluated 2026-02-11.

Conditions:
Hereditary spastic paraplegia 12 (SPG12). Also called: SPASTIC PARAPLEGIA 12, AUTOSOMAL DOMINANT. Identifiers: Orphanet 100993, MedGen C1858106, MONDO:0011489, OMIM 604805.
Inborn genetic diseases. Identifiers: MedGen C0950123, MeSH D030342.

Allele frequency attached by ClinVar (database versions not stated): gnomAD 0.00001; gnomAD exomes 0.00001; ExAC 0.00002.
gnomAD v4.1: 11 of 1,608,752 alleles (0.00068%); highest among the groups gnomAD compares: East Asian, 0.011%; no homozygotes.

Submissions (3):

Dasa
Classification: Uncertain significance for Hereditary spastic paraplegia 12. Last evaluated: 2026-02-11. Review status: criteria provided, single submitter. Criteria: DASA Assertion Criteria. Collection method: clinical testing. Allele origin: germline.
Comment: NM_005619.5(RTN2):c.1322C>T (p.Ser441Leu) is a missense variant that results in the substitution of serine with leucine. This variant is rare in population databases. The currently available literature and clinical evidence are not sufficient to establish a definitive association between this variant and the reported condition. Therefore, this variant is classified as a variant of uncertain significance.

Ambry Genetics
Classification: Uncertain significance for Inborn genetic diseases. Last evaluated: 2025-03-18. Review status: criteria provided, single submitter. Criteria: Ambry Variant Classification Scheme 2023. Collection method: clinical testing. Allele origin: germline.

Athena Diagnostics
Classification: Uncertain significance. Last evaluated: 2019-01-14. Review status: criteria provided, single submitter. Criteria: Athena Diagnostics Criteria. Collection method: clinical testing. Allele origin: germline.

NM_005619.5(RTN2):c.1322C>T (p.Ser441Leu)

Genes: OPA3-RTN2 (OPA3-RTN2 readthrough; minus strand), RTN2 (reticulon 2; minus strand). Cytogenetic location: 19q13.32.
Variant type: single nucleotide variant.
Coding change: c.1322C>T on transcript NM_005619.5 (MANE Select); coding-DNA position 1322, C replaced by T.
Protein change: p.Ser441Leu; replaces serine 441 with leucine.
Molecular consequence: missense variant.
Genome position (GRCh38, 1-based): chr19:45,488,906, G>A on the plus strand (C>T on the coding strand, the complement: RTN2 is on the minus strand). VCF-style: chr19-45488906-G-A. GRCh37 (hg19) VCF-style: chr19-45992164-G-A.
Other names: c.1103C>T, p.Ser368Leu (NM_206900.3); c.302C>T, p.Ser101Leu (NM_206901.3); short protein forms S101L, S441L, S368L.
Identifiers: ClinVar variation 805276 (VCV000805276.4), dbSNP rs755367786, ClinGen allele CA9516012.